The following is an entry in ClinVar:

ClinVar aggregate classification (germline): Conflicting classifications of pathogenicity. Review status: criteria provided, conflicting classifications (1 of 4 stars). 2 submissions from 2 submitters: Likely pathogenic (1); Uncertain significance (1). Last evaluated 2026-09-25.

Conditions:
Inborn genetic diseases. Identifiers: MedGen C0950123, MeSH D030342.

Allele frequency attached by ClinVar (database versions not stated): gnomAD exomes 0.00001.
gnomAD v4.1: 21 of 1,614,190 alleles (0.0013%); highest among the groups gnomAD compares: Non-Finnish European, 0.0018%; no homozygotes.

Submissions (2):

GeneDx
Classification: Likely pathogenic. Last evaluated: 2026-09-25. Review status: criteria provided, single submitter. Criteria: GeneDx Variant Classification Process June 2021. Collection method: clinical testing. Allele origin: germline.
Comment: Nonsense variant predicted to result in protein truncation, as the last 63 amino acid(s) are lost, and other loss-of-function variants have been reported downstream in HGMD; Not observed at significant frequency in large population cohorts (gnomAD); Has not been previously published as pathogenic or benign to our knowledge

Ambry Genetics
Classification: Uncertain significance for Inborn genetic diseases. Last evaluated: 2020-05-08. Review status: criteria provided, single submitter. Criteria: Ambry Variant Classification Scheme 2023. Collection method: clinical testing. Allele origin: germline.
Comment: The alteration results in a premature stop codon: _x000D_ _x000D_ The c.5386C>T (p.Q1796*) alteration, located in exon 27 (coding exon 25) of the KMT2E gene, results from a glutamine (Q) to a stop codon at amino acid position 1796. Premature stop codons are typically deleterious in nature; however, this stop codon occurs at the 3' terminus of KMT2E, is not expected to trigger nonsense-mediated mRNA decay, and a truncated protein could still be expressed (Maquat, 2004). This alteration removes the last 63 amino acids of the protein. The exact functional impact of these removed amino acids is unknown at this time. The alteration is not observed in population databases: _x000D_ _x000D_ Based on data from the Genome Aggregation Database (gnomAD), the KMT2E c.5386C>T alteration was not observed, with coverage at this position. The altered amino acid is conserved throughout evolution:_x000D_ _x000D_ The Q1796 amino acid is conserved in available vertebrate species. Based on insufficient or conflicting evidence, the clinical significance of this alteration remains unclear.

NM_182931.3(KMT2E):c.5386C>T (p.Gln1796Ter)

Gene: KMT2E (lysine methyltransferase 2E (inactive); plus strand). Cytogenetic location: 7q22.3.
Variant type: single nucleotide variant.
Coding change: c.5386C>T on transcript NM_182931.3 (MANE Select); coding-DNA position 5386, C replaced by T.
Protein change: p.Gln1796Ter; replaces glutamine 1796 with a stop codon.
Molecular consequence: nonsense.
Genome position (GRCh38, 1-based): chr7:105,113,142, C>T. VCF-style: chr7-105113142-C-T. GRCh37 (hg19) VCF-style: chr7-104753589-C-T.
Other names: c.5386C>T, p.Gln1796Ter (NM_018682.4); short protein forms Q1796*.
Identifiers: ClinVar variation 985844 (VCV000985844.6), dbSNP rs1799402262, ClinGen allele CA368795086.
Genomic context (GRCh38, chr7:105,113,142, plus strand): 5'-CAGCACCAGCCTTCTGGAACAGGGCCACATTGTCCATTACCTGTCACAGGTCCTCATCTC[C>T]AGCCCCAAGGACCAAACAGTATTCCAACACCTACTGCTTCAGGGTTCTGTCCTCATCCTG-3'